The following is an entry in ClinVar:

ClinVar aggregate classification (germline): Uncertain significance. Review status: criteria provided, multiple submitters, no conflicts (2 of 4 stars). 2 submissions from 2 submitters: Uncertain significance (2). Last evaluated 2025-09-16.

Conditions:
Charcot-Marie-Tooth disease axonal type 2F (CMT2F). Also called: CHARCOT-MARIE-TOOTH DISEASE, NEURONAL, TYPE 2F; Charcot-Marie-Tooth Neuropathy Type 2F. Identifiers: Orphanet 99940, MedGen C1847823, MONDO:0011687, OMIM 606595.

Submissions (2):

Labcorp Genetics (formerly Invitae), Labcorp
Classification: Uncertain significance for Charcot-Marie-Tooth disease axonal type 2F. Last evaluated: 2025-09-16. Review status: criteria provided, single submitter. Criteria: Invitae Variant Classification Sherloc (09022015). Collection method: clinical testing. Allele origin: germline.
Comment: This sequence change replaces valine, which is neutral and non-polar, with phenylalanine, which is neutral and non-polar, at codon 6 of the HSPB1 protein (p.Val6Phe). The frequency data for this variant in the population databases is considered unreliable, as metrics indicate poor data quality at this position in the gnomAD database. This variant has not been reported in the literature in individuals affected with HSPB1-related conditions. ClinVar contains an entry for this variant (Variation ID: 2879581). Invitae Evidence Modeling of protein sequence and biophysical properties (such as structural, functional, and spatial information, amino acid conservation, physicochemical variation, residue mobility, and thermodynamic stability) has been performed for this missense variant. However, the output from this modeling did not meet the statistical confidence thresholds required to predict the impact of this variant on HSPB1 protein function. In summary, the available evidence is currently insufficient to determine the role of this variant in disease. Therefore, it has been classified as a Variant of Uncertain Significance.

Mayo Clinic Laboratories, Mayo Clinic
Classification: Uncertain significance. Last evaluated: 2025-01-06. Review status: criteria provided, single submitter. Criteria: ACMG Guidelines, 2015. Collection method: clinical testing. Allele origin: germline. Observed: 1 variant allele.
Comment: PP3

NM_001540.5(HSPB1):c.16G>T (p.Val6Phe)

Gene: HSPB1 (heat shock protein family B (small) member 1; plus strand). Cytogenetic location: 7q11.23.
Variant type: single nucleotide variant.
Coding change: c.16G>T on transcript NM_001540.5 (MANE Select); coding-DNA position 16, G replaced by T.
Protein change: p.Val6Phe; replaces valine 6 with phenylalanine.
Molecular consequence: missense variant.
Genome position (GRCh38, 1-based): chr7:76,302,728, G>T. VCF-style: chr7-76302728-G-T. GRCh37 (hg19) VCF-style: chr7-75932045-G-T.
Other names: p.Val6Phe; short protein forms V6F.
Identifiers: ClinVar variation 2879581 (VCV002879581.4), dbSNP rs1049324, ClinGen allele CA160898606.
Genomic context (GRCh38, chr7:76,302,728, plus strand): 5'-GCCCCGCACTTTTCTGAGCAGACGTCCAGAGCAGAGTCAGCCAGCATGACCGAGCGCCGC[G>T]TCCCCTTCTCGCTCCTGCGGGGCCCCAGCTGGGACCCCTTCCGCGACTGGTACCCGCATA-3'
Protein context (NP_001531.1, residues 1-16): MTERR[Val6Phe]PFSLLRGPSW